The following is an entry in ClinVar:

NC_012920.1(MT-ATP8):m.8570T>C

Genes: MT-ATP8 (mitochondrially encoded ATP synthase 8; plus strand), MT-ATP6 (mitochondrially encoded ATP synthase 6; plus strand).
Variant type: single nucleotide variant.
Genome position: chrM-8570-T-C.
Other names: *69Q.
Identifiers: ClinVar variation 3900733 (VCV003900733.1), dbSNP rs2068710214.
Genomic context (GRCh38, chrMT:8,570, plus strand): 5'-AAACCCTGAGAACCAAAATGAACGAAAATCTGTTCGCTTCATTCATTGCCCCCACAATCC[T>C]AGGCCTACCCGCCGCAGTACTGATCATTCTATTTCCCCCTCTATTGATCCCCACCTCCAA-3'

ClinVar aggregate classification (germline): Uncertain significance (3 of 4 stars; one submission).

Conditions:
Mitochondrial disease. Also called: Mitochondrial disorder; Mitochondrial disorders. Identifiers: Orphanet 68380, MedGen C0751651, MeSH D028361, MONDO:0044970.

Submission:

ClinGen Mitochondrial Disease Nuclear and Mitochondrial  Variant Curation Expert Panel, ClinGen
Classification: Uncertain significance for Mitochondrial disease. Last evaluated: 2024-12-09. Review status: reviewed by expert panel. Criteria: clingen mito disease acmg specifications v1-1. Collection method: curation. Allele origin: germline. Inheritance: Mitochondrial inheritance.
Comment: The m.8570T>C variant (p.L15P in MT-ATP6; p.Term669Q in MT-ATP8) has not been reported in individuals with primary mitochondrial disease to date. This variant is absent in the GenBank dataset, Helix dataset, and gnomAD v3.1.2 (PM2_supporting). There are no in silico predictors for this type of variant in mitochondrial DNA. There are no cybrids, single fiber studies, or other functional assays reported on this variant. In summary, this variant meets criteria to be classified as uncertain significance for primary mitochondrial disease inherited in a mitochondrial manner. This classification was approved by the NICHD/NINDS U24 ClinGen Mitochondrial Disease Variant Curation Expert Panel on December 9, 2024. Mitochondrial DNA-specific ACMG/AMP criteria applied (PMID: 32906214): PM2_supporting.